The following is an entry in ClinVar:

NM_000322.5(PRPH2):c.*276G>C

Gene: PRPH2 (peripherin 2; minus strand). Cytogenetic location: 6p21.1.
Variant type: single nucleotide variant.
Coding change: c.*276G>C on transcript NM_000322.5 (MANE Select); 276 bases downstream of the stop codon, G replaced by C.
Molecular consequence: 3 prime UTR variant.
Genome position (GRCh38, 1-based): chr6:42,698,019, C>G on the plus strand (G>C on the coding strand, the complement: PRPH2 is on the minus strand). VCF-style: chr6-42698019-C-G. GRCh37 (hg19) VCF-style: chr6-42665757-C-G.
Identifiers: ClinVar variation 356769 (VCV000356769.8), dbSNP rs76754927, ClinGen allele CA10623954.

ClinVar aggregate classification (germline): Benign. Review status: criteria provided, multiple submitters, no conflicts (2 of 4 stars). 7 submissions from 2 submitters: Benign (7). Last evaluated 2019-04-16.

Conditions:
Choroidal dystrophy, central areolar 2 (CACD2). Also called: MACULAR DYSTROPHY, PROGRESSIVE; Choriodal Dystrophy, Central Areolar 2. Identifiers: Orphanet 75377, MedGen C2751290, MONDO:0013137, OMIM 613105.
Cone-rod dystrophy. Also called: Cone-rod degeneration; Cone/cone-rod dystrophy. Identifiers: Orphanet 1872, MedGen C4085590, MONDO:0015993, HP:0000548.
Patterned macular dystrophy 1. Also called: BUTTERFLY DYSTROPHY OF RETINAL PIGMENT EPITHELIUM; MACULAR DYSTROPHY, BUTTERFLY-SHAPED PIGMENTARY. Identifiers: Orphanet 99001, MedGen C4551999, MONDO:0008210, OMIM 169150.
Pigmentary retinal dystrophy. Also called: Fundus albipunctatus. Identifiers: Orphanet 227796, Orphanet 52427, MedGen C0311338, MONDO:0007639, OMIM 136880, HP:0030642.
Retinitis pigmentosa (RP). Identifiers: Orphanet 791, MedGen C0035334, MeSH D012174, MONDO:0019200, OMIM 268000. Inheritance: Autosomal dominant, autosomal recessive and X linked inheritance.
Adult-onset foveomacular vitelliform dystrophy. Also called: FOVEOMACULAR DYSTROPHY, ADULT-ONSET; FOVEOMACULAR DYSTROPHY, ADULT-ONSET, WITH OR WITHOUT CHOROIDAL NEOVASCULARIZATION; Adult onset vitelliform dystrophy. Identifiers: Orphanet 99000, MedGen C1842914, MONDO:0011979.

Allele frequency attached by ClinVar (database versions not stated): 1000 Genomes Project 30x 0.02592; TOPMed 0.02609; gnomAD 0.02448; 1000 Genomes Project 0.02476.
gnomAD v4.1: 4,667 of 479,204 alleles (0.97%); highest among the groups gnomAD compares: African/African-American, 8.4%; 169 homozygotes.

Submissions (7):

GeneDx
Classification: Benign. Last evaluated: 2019-04-16. Review status: criteria provided, single submitter. Criteria: GeneDx Variant Classification Process June 2021. Collection method: clinical testing. Allele origin: germline. Affected: yes.

Illumina Laboratory Services, Illumina
Classification: Benign for Vitelliform macular dystrophy 3. Last evaluated: 2018-01-13. Review status: criteria provided, single submitter. Criteria: ICSL Variant Classification Criteria 13 December 2019. Collection method: clinical testing. Allele origin: germline.
Comment: This variant was observed in the ICSL laboratory as part of a predisposition screen in an ostensibly healthy population. It had not been previously curated by ICSL or reported in the Human Gene Mutation Database (HGMD: prior to June 1st, 2018), and was therefore a candidate for classification through an automated scoring system. Utilizing variant allele frequency, disease prevalence and penetrance estimates, and inheritance mode, an automated score was calculated to assess if this variant is too frequent to cause the disease. Based on the score and internal cut-off values, a variant classified as benign is not then subjected to further curation. The score for this variant resulted in a classification of benign for this disease.

Illumina Laboratory Services, Illumina
Classification: Benign for Pigmentary retinal dystrophy. Last evaluated: 2018-01-13. Review status: criteria provided, single submitter. Criteria: ICSL Variant Classification Criteria 13 December 2019. Collection method: clinical testing. Allele origin: germline.
Comment: the same text as in the submission from Illumina Laboratory Services, Illumina above.

Illumina Laboratory Services, Illumina
Classification: Benign for Retinitis pigmentosa. Last evaluated: 2018-01-13. Review status: criteria provided, single submitter. Criteria: ICSL Variant Classification Criteria 13 December 2019. Collection method: clinical testing. Allele origin: germline.
Comment: the same text as in the submission from Illumina Laboratory Services, Illumina above.

Illumina Laboratory Services, Illumina
Classification: Benign for Patterned macular dystrophy 1. Last evaluated: 2018-01-13. Review status: criteria provided, single submitter. Criteria: ICSL Variant Classification Criteria 13 December 2019. Collection method: clinical testing. Allele origin: germline.
Comment: the same text as in the submission from Illumina Laboratory Services, Illumina above.

Illumina Laboratory Services, Illumina
Classification: Benign for Choroidal dystrophy, central areolar 2. Last evaluated: 2018-01-13. Review status: criteria provided, single submitter. Criteria: ICSL Variant Classification Criteria 13 December 2019. Collection method: clinical testing. Allele origin: germline.
Comment: the same text as in the submission from Illumina Laboratory Services, Illumina above.

Illumina Laboratory Services, Illumina
Classification: Benign for Cone-rod dystrophy. Last evaluated: 2018-01-13. Review status: criteria provided, single submitter. Criteria: ICSL Variant Classification Criteria 13 December 2019. Collection method: clinical testing. Allele origin: germline.
Comment: the same text as in the submission from Illumina Laboratory Services, Illumina above.